The following is an entry in ClinVar:

ClinVar aggregate classification (germline): Likely pathogenic (1 of 4 stars; one submission).

Conditions:
Hypochondroplasia (HCH). Identifiers: Orphanet 429, MedGen C0410529, MONDO:0007793, OMIM 146000. Disease mechanism: gain of function.

Submission:

Genomenon, Inc
Classification: Likely pathogenic for Hypochondroplasia. Last evaluated: 2026-06-23. Review status: criteria provided, single submitter. Criteria: Genomenon Sequence Variant Interpretation Standards - Updated. Collection method: curation. Allele origin: germline. Affected: yes.
Comment: FGFR3 p.Gly380Lys (c.1138_1139delinsAA) is a deletion-insertion variant that changes the amino acid at codon 380 from Glycine to Lysine. This variant has been observed in at least one proband with hypochondroplasia (PMID:17256796). The variant was found to segregate with disease in at least one affected family (PMID:17256796). The presence of pathogenic/likely pathogenic missense variant(s) at the same amino acid position indicates that this residue is likely important for protein function. It is absent or not present at a significant frequency in gnomAD. In conclusion, we classify FGFR3 p.Gly380Lys (c.1138_1139delinsAA) as a likely pathogenic variant.

Literature cited by the submitters: PubMed 17256796; PubMed 19802676; PubMed 30681580; PubMed 29736252; PubMed 24352917; PubMed 22325359; PubMed 19215249.

NM_000142.5(FGFR3):c.1138_1139delinsAA (p.Gly380Lys)

Gene: FGFR3 (fibroblast growth factor receptor 3; plus strand). Cytogenetic location: 4p16.3.
Variant type: Indel.
Coding change: c.1138_1139delinsAA on transcript NM_000142.5 (MANE Select); coding-DNA positions 1138 to 1139, GG replaced by AA.
Protein change: p.Gly380Lys; replaces glycine 380 with lysine.
Molecular consequence: missense variant. On other transcripts: non-coding transcript variant (1), intron variant (1).
Genome position (GRCh38, 1-based): chr4:1,804,392-1,804,393, GG replaced by AA. VCF-style: chr4-1804392-GG-AA. GRCh37 (hg19) VCF-style: chr4-1806119-GG-AA.
Other names: c.1144_1145delinsAA, p.Gly382Lys (NM_001163213.2); c.1138_1139delinsAA, p.Gly380Lys (NM_001354809.2, NM_001354810.2); c.931-432_931-431delinsAA (NM_022965.4); short protein forms G380K, G382K.
Identifiers: ClinVar variation 4857845 (VCV004857845.1).